The following is an entry in ClinVar:

NM_001040108.2(MLH3):c.2068A>G (p.Thr690Ala)

Gene: MLH3 (mutL homolog 3; minus strand). Cytogenetic location: 14q24.3.
Variant type: single nucleotide variant.
Coding change: c.2068A>G on transcript NM_001040108.2 (MANE Select); coding-DNA position 2068, A replaced by G.
Protein change: p.Thr690Ala; replaces threonine 690 with alanine.
Molecular consequence: missense variant.
Genome position (GRCh38, 1-based): chr14:75,047,588, T>C on the plus strand (A>G on the coding strand, the complement: MLH3 is on the minus strand). VCF-style: chr14-75047588-T-C. GRCh37 (hg19) VCF-style: chr14-75514291-T-C.
Other names: c.2068A>G, p.Thr690Ala (NM_014381.3); short protein forms T690A.
Identifiers: ClinVar variation 1785313 (VCV001785313.3), dbSNP rs2503279444, ClinGen allele CA390443196.
Genomic context (GRCh38, chr14:75,047,588, plus strand): 5'-ATATGCAATCTGTTTGTGATTTTTTGCTACCTTCCTGAAAAGCAGAAAACATTGTATAAG[T>C]TGCTGTAGGTTCATTCTCTAGCCCATAACTTATATTCGTTCTGCAATTTTTTTTGTTGGG-3'
Protein context (NP_001035197.1, residues 680-700): SYGLENEPTA[Thr690Ala]YTMFSAFQEG

ClinVar aggregate classification (germline): Uncertain significance (1 of 4 stars; one submission).

Allele frequency attached by ClinVar (database versions not stated): gnomAD exomes below 0.00001.

Submission:

Ambry Genetics
Classification: Uncertain significance. Last evaluated: 2024-11-03. Review status: criteria provided, single submitter. Criteria: Ambry Variant Classification Scheme 2023. Collection method: clinical testing. Allele origin: germline.
Comment: The p.T690A variant (also known as c.2068A>G), located in coding exon 1 of the MLH3 gene, results from an A to G substitution at nucleotide position 2068. The threonine at codon 690 is replaced by alanine, an amino acid with similar properties. This amino acid position is conserved. In addition, this alteration is predicted to be tolerated by in silico analysis. Since supporting evidence is limited at this time, the clinical significance of this alteration remains unclear.